The following is an entry in ClinVar:

ClinVar aggregate classification (germline): Uncertain significance (1 of 4 stars; one submission).

Conditions:
Cardiovascular phenotype. Identifiers: MedGen CN230736.

Submission:

Ambry Genetics
Classification: Uncertain significance for Cardiovascular phenotype. Last evaluated: 2025-11-22. Review status: criteria provided, single submitter. Criteria: Ambry Variant Classification Scheme 2023. Collection method: clinical testing. Allele origin: germline.
Comment: The p.Q3296R variant (also known as c.9887A>G), located in coding exon 2 of the ZNF469 gene, results from an A to G substitution at nucleotide position 9887. The glutamine at codon 3296 is replaced by arginine, an amino acid with highly similar properties. This amino acid position is conserved. In addition, this alteration is predicted to be tolerated by in silico analysis. Based on the available evidence, the clinical significance of this variant remains unclear.

NM_001127464.1:c.9887A>G

Gene: ZNF469 (zinc finger protein 469; plus strand).
Variant type: single nucleotide variant.
Identifiers: ClinVar variation 4615519 (VCV004615519.1).